The following is an entry in ClinVar:

NM_002485.5(NBN):c.1046A>T (p.Asp349Val)

Gene: NBN (nibrin; minus strand). Cytogenetic location: 8q21.3.
Variant type: single nucleotide variant.
Coding change: c.1046A>T on transcript NM_002485.5 (MANE Select); coding-DNA position 1046, A replaced by T.
Protein change: p.Asp349Val; replaces aspartic acid 349 with valine.
Molecular consequence: missense variant.
Genome position (GRCh38, 1-based): chr8:89,958,803, T>A on the plus strand (A>T on the coding strand, the complement: NBN is on the minus strand). VCF-style: chr8-89958803-T-A. GRCh37 (hg19) VCF-style: chr8-90971031-T-A.
Other names: c.800A>T, p.Asp267Val (NM_001024688.3); short protein forms D349V, D267V.
Identifiers: ClinVar variation 231896 (VCV000231896.17), dbSNP rs876659431, ClinGen allele CA10578775.

ClinVar aggregate classification (germline): Uncertain significance. Review status: criteria provided, multiple submitters, no conflicts (2 of 4 stars). 3 submissions from 3 submitters: Uncertain significance (3). Last evaluated 2021-11-07.

Conditions:
Hereditary cancer-predisposing syndrome. Also called: Hereditary Cancer Syndrome; Neoplastic Syndromes, Hereditary; Tumor predisposition; Hereditary neoplastic syndrome. Identifiers: Orphanet 140162, MedGen C0027672, MeSH D009386, MONDO:0015356.
Microcephaly, normal intelligence and immunodeficiency (NBS). Also called: BERLIN BREAKAGE SYNDROME; Ataxia telangiectasia variant V1; IMMUNODEFICIENCY, MICROCEPHALY, AND CHROMOSOMAL INSTABILITY; SEEMANOVA SYNDROME II; Nijmegen breakage syndrome; Microcephaly with normal intelligence immunodeficiency and lymphoreticular malignancies. Identifiers: Orphanet 647, MedGen C0398791, MONDO:0009623, OMIM 251260.

Submissions (3):

Genome-Nilou Lab
Classification: Uncertain significance for Microcephaly, normal intelligence and immunodeficiency. Last evaluated: 2021-11-07. Review status: criteria provided, single submitter. Criteria: ACMG Guidelines, 2015. Collection method: clinical testing. Allele origin: germline. Affected: no.

Labcorp Genetics (formerly Invitae), Labcorp
Classification: Uncertain significance for Microcephaly, normal intelligence and immunodeficiency. Last evaluated: 2019-01-20. Review status: criteria provided, single submitter. Criteria: Invitae Variant Classification Sherloc (09022015). Collection method: clinical testing. Allele origin: germline.
Comment: In summary, the available evidence is currently insufficient to determine the role of this variant in disease. Therefore, it has been classified as a Variant of Uncertain Significance. Algorithms developed to predict the effect of missense changes on protein structure and function are either unavailable or do not agree on the potential impact of this missense change (SIFT: "Deleterious"; PolyPhen-2: "Possibly Damaging"; Align-GVGD: "Class C0"). This variant has not been reported in the literature in individuals with NBN-related conditions. ClinVar contains an entry for this variant (Variation ID: 231896). This variant is not present in population databases (ExAC no frequency). This sequence change replaces aspartic acid with valine at codon 349 of the NBN protein (p.Asp349Val). The aspartic acid residue is moderately conserved and there is a large physicochemical difference between aspartic acid and valine.

Ambry Genetics
Classification: Uncertain significance for Hereditary cancer-predisposing syndrome. Last evaluated: 2015-10-02. Review status: criteria provided, single submitter. Criteria: Ambry Variant Classification Scheme 2023. Collection method: clinical testing. Allele origin: germline.
Comment: The p.D349V variant (also known as c.1046A>T), located in coding exon 9 of the NBN gene, results from an A to T substitution at nucleotide position 1046. The aspartic acid at codon 349 is replaced by valine, an amino acid with highly dissimilar properties. This variant was not reported in population based cohorts in the following databases: Database of Single Nucleotide Polymorphisms (dbSNP), NHLBI Exome Sequencing Project (ESP), and 1000 Genomes Project. In the ESP, this variant was not observed in 6503 samples (13006 alleles) with coverage at this position. To date, this alteration has been detected with an allele frequency of approximately 0.002% (greater than 65000 alleles tested) in our clinical cohort. This amino acid position is poorly conserved in available vertebrate species. In addition, this alteration is predicted to be benign yet deleterious by PolyPhen and SIFT in silico analyses, respectively. Since supporting evidence is limited at this time, the clinical significance of p.D349V remains unclear.